The following is an entry in ClinVar:

ClinVar aggregate classification (germline): Uncertain significance (1 of 4 stars; one submission).

Allele frequency attached by ClinVar (database versions not stated): gnomAD exomes below 0.00001; gnomAD 0.00002; TOPMed 0.00006.
gnomAD v4.1: 7 of 1,613,632 alleles (0.00043%); highest among the groups gnomAD compares: African/African-American, 0.0093%; no homozygotes.

Submission:

Labcorp Genetics (formerly Invitae), Labcorp
Classification: Uncertain significance. Last evaluated: 2021-11-26. Review status: criteria provided, single submitter. Criteria: Invitae Variant Classification Sherloc (09022015). Collection method: clinical testing. Allele origin: germline.
Comment: This sequence change replaces tyrosine, which is neutral and polar, with cysteine, which is neutral and slightly polar, at codon 2239 of the PCLO protein (p.Tyr2239Cys). This variant is present in population databases (no rsID available, gnomAD 0.01%). This variant has not been reported in the literature in individuals affected with PCLO-related conditions. Algorithms developed to predict the effect of missense changes on protein structure and function are either unavailable or do not agree on the potential impact of this missense change (SIFT: "Deleterious"; PolyPhen-2: "Not Available"; Align-GVGD: "Class C0"). In summary, the available evidence is currently insufficient to determine the role of this variant in disease. Therefore, it has been classified as a Variant of Uncertain Significance.

NM_033026.6(PCLO):c.6716A>G (p.Tyr2239Cys)

Gene: PCLO (piccolo presynaptic cytomatrix protein; minus strand). Cytogenetic location: 7q21.11.
Variant type: single nucleotide variant.
Coding change: c.6716A>G on transcript NM_033026.6 (MANE Select); coding-DNA position 6716, A replaced by G.
Protein change: p.Tyr2239Cys; replaces tyrosine 2239 with cysteine.
Molecular consequence: missense variant.
Genome position (GRCh38, 1-based): chr7:82,954,237, T>C on the plus strand (A>G on the coding strand, the complement: PCLO is on the minus strand). VCF-style: chr7-82954237-T-C. GRCh37 (hg19) VCF-style: chr7-82583553-T-C.
Other names: c.6716A>G, p.Tyr2239Cys (NM_014510.3); short protein forms Y2239C.
Identifiers: ClinVar variation 1400836 (VCV001400836.6), dbSNP rs1235231637, ClinGen allele CA367918499.
Genomic context (GRCh38, chr7:82,954,237, plus strand): 5'-GCACTAGCTCTACCATCTGGTGGGGCAGTCCGATCTAAAGATACACTTATTTCTTCTGGA[T>C]AGTCTATAATGCTGCCTGGAAAATAAGTTGATGAAGAAATTTCCTCAGAATCTTCAAATT-3'
Protein context (NP_149015.2, residues 2229-2249): STYFPGSIID[Tyr2239Cys]PEEISVSLDR